The following is an entry in ClinVar:

NC_012920.1(MT-ND5):m.12848C>T

Gene: MT-ND5 (mitochondrially encoded NADH dehydrogenase 5; plus strand).
Variant type: single nucleotide variant.
Genome position: chrM-12848-C-T.
Other names: MTND5, 12848C-T, ALA171VAL; A171V.
Identifiers: ClinVar variation 9704 (VCV000009704.4), dbSNP rs267606899, ClinGen allele CA340937.

ClinVar aggregate classification (germline): Uncertain significance. Review status: reviewed by expert panel (3 of 4 stars). 3 submissions from 3 submitters: Uncertain significance (1). 2 of the submissions do not count toward it. Last evaluated 2023-11-28.

Conditions:
Mitochondrial disease. Also called: Mitochondrial disorder; Mitochondrial disorders. Identifiers: Orphanet 68380, MedGen C0751651, MeSH D028361, MONDO:0044970.
Leber optic atrophy (LHON). Also called: Optic Atrophy, Hereditary, Leber; Leber hereditary optic neuropathy; Leber's disease; Leber's optic atrophy. Identifiers: Orphanet 104, MedGen C0917796, MONDO:0010788, OMIM 535000, HP:0001112.

Submissions (3):

ClinGen Mitochondrial Disease Nuclear and Mitochondrial  Variant Curation Expert Panel, ClinGen
Classification: Uncertain significance for Mitochondrial disease. Last evaluated: 2023-11-28. Review status: reviewed by expert panel. Criteria: clingen mito disease acmg specifications v1-1. Collection method: curation. Allele origin: germline. Inheritance: Mitochondrial inheritance.
Comment: The variant was present at 54% heteroplasmy in blood (PMID: 16240359). This variant is absent in the GenBank dataset, Helix dataset, and gnomAD v3.1.2 (PM2_supporting). The computational predictor APOGEE suggests this variant is pathogenic (0.95, range 0-1; PP3). There are no cybrids, single fiber studies, or other functional assays reported on this variant. In summary, this variant meets criteria to be classified as uncertain significance for primary mitochondrial disease inherited in a mitochondrial manner. This classification was approved by the NICHD/NINDS U24 ClinGen Mitochondrial Disease Variant Curation Expert Panel on November 28, 2023. Mitochondrial DNA-specific ACMG/AMP criteria applied (PMID: 32906214): PM2_supporting, PP3.

OMIM
Classification: Pathogenic for LEBER OPTIC ATROPHY. Last evaluated: 2005-11-01. Review status: no assertion criteria provided. Collection method: literature only. Allele origin: germline. Not counted in ClinVar's aggregate classification.

GeneReviews
No classification provided. Condition: Leber optic atrophy. Review status: no classification provided. Collection method: literature only. Allele origin: maternal. Not counted in ClinVar's aggregate classification.

Literature cited by the submitters: PubMed 16240359 (cited by OMIM); PubMed 30143805 (cited by GeneReviews); PubMed 20301353 (cited by GeneReviews).